The following is an entry in ClinVar:

ClinVar aggregate classification (germline): Pathogenic (1 of 4 stars; one submission).

Conditions:
Primary ciliary dyskinesia. Also called: Ciliary dyskinesia. Identifiers: Orphanet 244, MedGen C0008780, MONDO:0016575, HP:0012265.

Allele frequency attached by ClinVar (database versions not stated): gnomAD exomes 0.00001; TOPMed 0.00001; ExAC 0.00002.
gnomAD v4.1: 4 of 1,614,088 alleles (0.00025%); highest among the groups gnomAD compares: Admixed American, 0.005%; no homozygotes.

Submission:

Labcorp Genetics (formerly Invitae), Labcorp
Classification: Pathogenic for Primary ciliary dyskinesia. Last evaluated: 2025-07-15. Review status: criteria provided, single submitter. Criteria: Invitae Variant Classification Sherloc (09022015). Collection method: clinical testing. Allele origin: germline.
Comment: This sequence change creates a premature translational stop signal (p.Gln139*) in the CCDC40 gene. It is expected to result in an absent or disrupted protein product. Loss-of-function variants in CCDC40 are known to be pathogenic (PMID: 21131974, 22693285, 23255504). This variant is present in population databases (rs764551914, gnomAD 0.006%). This variant has not been reported in the literature in individuals affected with CCDC40-related conditions. ClinVar contains an entry for this variant (Variation ID: 576151). For these reasons, this variant has been classified as Pathogenic.

Literature cited by the submitters: PubMed 21131974; PubMed 22693285; PubMed 23255504.

NM_017950.4(CCDC40):c.415C>T (p.Gln139Ter)

Gene: CCDC40 (coiled-coil domain 40 molecular ruler complex subunit; plus strand). Cytogenetic location: 17q25.3.
Variant type: single nucleotide variant.
Coding change: c.415C>T on transcript NM_017950.4 (MANE Select); coding-DNA position 415, C replaced by T.
Protein change: p.Gln139Ter; replaces glutamine 139 with a stop codon.
Molecular consequence: nonsense.
Genome position (GRCh38, 1-based): chr17:80,040,133, C>T. VCF-style: chr17-80040133-C-T. GRCh37 (hg19) VCF-style: chr17-78013932-C-T.
Other names: c.415C>T, p.Gln139Ter (NM_001243342.2, NM_001330508.2); short protein forms Q139*.
Identifiers: ClinVar variation 576151 (VCV000576151.7), dbSNP rs764551914, ClinGen allele CA8813438.